The following is an entry in ClinVar:

ClinVar aggregate classification (germline): Benign (0 of 4 stars; one submission).

Conditions:
XIRP2-related disorder. Also called: XIRP2-related condition.

Allele frequency attached by ClinVar (database versions not stated): gnomAD exomes 0.13126; ExAC 0.16618; ESP Exome Variant Server 0.18125; gnomAD 0.19436; TOPMed 0.20039; 1000 Genomes Project 30x 0.24094; 1000 Genomes Project 0.24181.
gnomAD v4.1: 222,267 of 1,613,712 alleles (14%); highest among the groups gnomAD compares: African/African-American, 35%; 18,608 homozygotes.

Submission:

PreventionGenetics, part of Exact Sciences
Classification: Benign for XIRP2-related condition. Last evaluated: 2019-11-06. Review status: no assertion criteria provided. Collection method: clinical testing. Allele origin: germline.
Comment: This variant is classified as benign based on ACMG/AMP sequence variant interpretation guidelines (Richards et al. 2015 PMID: 25741868, with internal and published modifications).

NM_152381.6(XIRP2):c.1894T>C (p.Tyr632His)

Gene: XIRP2 (xin actin binding repeat containing 2; plus strand). Cytogenetic location: 2q24.3.
Variant type: single nucleotide variant.
Coding change: c.1894T>C on transcript NM_152381.6 (MANE Select); coding-DNA position 1894, T replaced by C.
Protein change: p.Tyr632His; replaces tyrosine 632 with histidine.
Molecular consequence: missense variant. On other transcripts: intron variant (3).
Genome position (GRCh38, 1-based): chr2:167,243,286, T>C. VCF-style: chr2-167243286-T-C. GRCh37 (hg19) VCF-style: chr2-168099796-T-C.
Other names: c.1228T>C, p.Tyr410His (NM_001199144.2); c.1275+1376T>C (NM_001199143.2); c.1176+1376T>C (NM_001079810.4); c.510+1376T>C (NM_001199145.2); short protein forms Y410H, Y632H.
Identifiers: ClinVar variation 3059268 (VCV003059268.2), dbSNP rs16853306, ClinGen allele CA1946552.